The following is an entry in ClinVar:

ClinVar aggregate classification (germline): Uncertain significance (1 of 4 stars; one submission).

Allele frequency attached by ClinVar (database versions not stated): gnomAD exomes below 0.00001; ExAC 0.00001.
gnomAD v4.1: 2 of 1,613,888 alleles (0.00012%); highest among the groups gnomAD compares: Admixed American, 0.0017%; no homozygotes.

Submission:

Labcorp Genetics (formerly Invitae), Labcorp
Classification: Uncertain significance. Last evaluated: 2022-06-11. Review status: criteria provided, single submitter. Criteria: Invitae Variant Classification Sherloc (09022015). Collection method: clinical testing. Allele origin: germline.
Comment: In summary, the available evidence is currently insufficient to determine the role of this variant in disease. Therefore, it has been classified as a Variant of Uncertain Significance. Algorithms developed to predict the effect of missense changes on protein structure and function are either unavailable or do not agree on the potential impact of this missense change (SIFT: "Deleterious"; PolyPhen-2: "Probably Damaging"; Align-GVGD: "Class C0"). This variant has not been reported in the literature in individuals affected with ITGA8-related conditions. This variant is present in population databases (rs776605297, gnomAD 0.003%). This sequence change replaces leucine, which is neutral and non-polar, with arginine, which is basic and polar, at codon 246 of the ITGA8 protein (p.Leu246Arg).

NM_003638.3(ITGA8):c.737T>G (p.Leu246Arg)

Gene: ITGA8 (integrin subunit alpha 8; minus strand). Cytogenetic location: 10p13.
Variant type: single nucleotide variant.
Coding change: c.737T>G on transcript NM_003638.3 (MANE Select); coding-DNA position 737, T replaced by G.
Protein change: p.Leu246Arg; replaces leucine 246 with arginine.
Molecular consequence: missense variant.
Genome position (GRCh38, 1-based): chr10:15,672,689, A>C on the plus strand (T>G on the coding strand, the complement: ITGA8 is on the minus strand). VCF-style: chr10-15672689-A-C. GRCh37 (hg19) VCF-style: chr10-15714688-A-C.
Other names: c.737T>G, p.Leu246Arg (NM_001291494.2); short protein forms L246R.
Identifiers: ClinVar variation 1940749 (VCV001940749.5), dbSNP rs776605297, ClinGen allele CA5420557.